The following is an entry in ClinVar:

ClinVar aggregate classification (germline): Conflicting classifications of pathogenicity. Review status: criteria provided, conflicting classifications (1 of 4 stars). 3 submissions from 3 submitters: Uncertain significance (2); Likely benign (1). Last evaluated 2022-07-09.

Conditions:
Retinitis pigmentosa 43 (RP43). Identifiers: Orphanet 791, MedGen C3151139, MONDO:0013437, OMIM 613810.

Allele frequency attached by ClinVar (database versions not stated): gnomAD exomes below 0.00001; TOPMed 0.00001.
gnomAD v4.1: 2 of 1,614,220 alleles (0.00012%); highest among the groups gnomAD compares: Admixed American, 0.0033%; no homozygotes.

Submissions (3):

Labcorp Genetics (formerly Invitae), Labcorp
Classification: Likely benign. Last evaluated: 2022-07-09. Review status: criteria provided, single submitter. Criteria: Invitae Variant Classification Sherloc (09022015). Collection method: clinical testing. Allele origin: germline.

Ocular Genomics Institute, Massachusetts Eye and Ear
Classification: Uncertain significance for Retinitis pigmentosa 43. Last evaluated: 2021-04-08. Review status: criteria provided, single submitter. Criteria: ACMG Guidelines, 2015. Collection method: research. Allele origin: germline. Affected: yes.
Comment: Through a review of available evidence we were able to apply the following criteria: PM2, PM3-P. Based on this evidence we have classified this variant as Variant of Uncertain Significance.

Blueprint Genetics
Classification: Uncertain significance. Last evaluated: 2018-11-29. Review status: criteria provided, single submitter. Criteria: ACMG Guidelines, 2015. Collection method: clinical testing. Allele origin: germline.

NM_000440.3(PDE6A):c.2506+7G>A

Gene: PDE6A (phosphodiesterase 6A; minus strand). Cytogenetic location: 5q32.
Variant type: single nucleotide variant.
Coding change: c.2506+7G>A on transcript NM_000440.3 (MANE Select); 7 bases into the intron after coding-DNA position 2506, G replaced by A.
Molecular consequence: intron variant.
Genome position (GRCh38, 1-based): chr5:149,863,112, C>T on the plus strand (G>A on the coding strand, the complement: PDE6A is on the minus strand). VCF-style: chr5-149863112-C-T. GRCh37 (hg19) VCF-style: chr5-149242675-C-T.
Identifiers: ClinVar variation 866869 (VCV000866869.8), dbSNP rs1382186195, ClinGen allele CA563553945.